The following is an entry in ClinVar:

ClinVar aggregate classification (germline): Pathogenic (1 of 4 stars; one submission).

Submission:

Baylor Genetics
Classification: Pathogenic. Last evaluated: 2018-11-01. Review status: criteria provided, single submitter. Criteria: ACMG CNV Guidelines, 2011. Collection method: clinical testing. Allele origin: germline. Affected: yes. Observed: 1 variant allele.
Comment: This 16p13.11 microduplication is associated with varied clinical features including behavioral abnormalities, cognitive impairment, congenital heart defects and skeletal manifestations [PMID:21150890]

GRCh37/hg19 16p13.11(chr16:14975292-16301530)

Genes: NPIPA5 (nuclear pore complex interacting protein family member A5; minus strand), ABCC1 (ATP binding cassette subfamily C member 1 (ABCC1 blood group); plus strand), ABCC6 (ATP binding cassette subfamily C member 6; minus strand), BMERB1 (bMERB domain containing 1; plus strand), CEP20 (centrosomal protein 20; minus strand) and 9 more. Cytogenetic location: 16p13.11.
Variant type: copy number gain.
Identifiers: ClinVar variation 625566 (VCV000625566.1).